The following is an entry in ClinVar:

NM_002788.4(PSMA3):c.625G>A (p.Ala209Thr)

Genes: PSMA3 (proteasome 20S subunit alpha 3; plus strand), PSMA3-AS1 (PSMA3 antisense RNA 1; minus strand). Cytogenetic location: 14q23.1.
Variant type: single nucleotide variant.
Coding change: c.625G>A on transcript NM_002788.4 (MANE Select); coding-DNA position 625, G replaced by A.
Protein change: p.Ala209Thr; replaces alanine 209 with threonine.
Molecular consequence: missense variant. On other transcripts: non-coding transcript variant (1).
Genome position (GRCh38, 1-based): chr14:58,270,452, G>A. VCF-style: chr14-58270452-G-A. GRCh37 (hg19) VCF-style: chr14-58737170-G-A.
Other names: c.604G>A, p.Ala202Thr (NM_152132.3); short protein forms A202T, A209T.
Identifiers: ClinVar variation 1943262 (VCV001943262.5), dbSNP rs2502975753, ClinGen allele CA389853364.

ClinVar aggregate classification (germline): Uncertain significance (1 of 4 stars; one submission).

Allele frequency attached by ClinVar (database versions not stated): gnomAD exomes below 0.00001.
gnomAD v4.1: 1 of 1,613,664 alleles (0.000062%); highest among the groups gnomAD compares: Non-Finnish European, 0.000085%; no homozygotes.

Submission:

Labcorp Genetics (formerly Invitae), Labcorp
Classification: Uncertain significance. Last evaluated: 2022-02-27. Review status: criteria provided, single submitter. Criteria: Invitae Variant Classification Sherloc (09022015). Collection method: clinical testing. Allele origin: germline.
Comment: Algorithms developed to predict the effect of missense changes on protein structure and function (SIFT, PolyPhen-2, Align-GVGD) all suggest that this variant is likely to be tolerated. This variant has not been reported in the literature in individuals affected with PSMA3-related conditions. This variant is not present in population databases (gnomAD no frequency). This sequence change replaces alanine, which is neutral and non-polar, with threonine, which is neutral and polar, at codon 209 of the PSMA3 protein (p.Ala209Thr). In summary, the available evidence is currently insufficient to determine the role of this variant in disease. Therefore, it has been classified as a Variant of Uncertain Significance.